The following is an entry in ClinVar:

NM_152383.5(DIS3L2):c.62C>T (p.Ala21Val)

Gene: DIS3L2 (DIS3 like 3'-5' exoribonuclease 2; plus strand). Cytogenetic location: 2q37.1.
Variant type: single nucleotide variant.
Coding change: c.62C>T on transcript NM_152383.5 (MANE Select); coding-DNA position 62, C replaced by T.
Protein change: p.Ala21Val; replaces alanine 21 with valine.
Molecular consequence: missense variant. On other transcripts: non-coding transcript variant (2).
Genome position (GRCh38, 1-based): chr2:232,015,523, C>T. VCF-style: chr2-232015523-C-T. GRCh37 (hg19) VCF-style: chr2-232880233-C-T.
Other names: c.62C>T, p.Ala21Val (NM_001257281.2, NM_001257282.2); short protein forms A21V.
Identifiers: ClinVar variation 1721370 (VCV001721370.5), dbSNP rs2469595496, ClinGen allele CA351151829.

ClinVar aggregate classification (germline): Uncertain significance (1 of 4 stars; one submission).

Conditions:
Perlman syndrome (PRLMNS). Identifiers: Orphanet 2849, MedGen C0796113, MONDO:0009965, OMIM 267000.

Allele frequency attached by ClinVar (database versions not stated): gnomAD exomes below 0.00001.
gnomAD v4.1: 1 of 1,613,860 alleles (0.000062%); highest among the groups gnomAD compares: Non-Finnish European, 0.000085%; no homozygotes.

Submission:

Labcorp Genetics (formerly Invitae), Labcorp
Classification: Uncertain significance for Perlman syndrome. Last evaluated: 2022-10-10. Review status: criteria provided, single submitter. Criteria: Invitae Variant Classification Sherloc (09022015). Collection method: clinical testing. Allele origin: germline.
Comment: In summary, the available evidence is currently insufficient to determine the role of this variant in disease. Therefore, it has been classified as a Variant of Uncertain Significance. Algorithms developed to predict the effect of missense changes on protein structure and function (SIFT, PolyPhen-2, Align-GVGD) all suggest that this variant is likely to be tolerated. This variant has not been reported in the literature in individuals affected with DIS3L2-related conditions. This variant is not present in population databases (gnomAD no frequency). This sequence change replaces alanine, which is neutral and non-polar, with valine, which is neutral and non-polar, at codon 21 of the DIS3L2 protein (p.Ala21Val).